The following is an entry in ClinVar:

NM_001365536.1(SCN9A):c.129T>C (p.Asp43=)

Gene: SCN9A (sodium voltage-gated channel alpha subunit 9; minus strand). Cytogenetic location: 2q24.3.
Variant type: single nucleotide variant.
Coding change: c.129T>C on transcript NM_001365536.1 (MANE Select); coding-DNA position 129, T replaced by C.
Protein change: p.Asp43=; no amino-acid change (aspartic acid 43 retained).
Molecular consequence: synonymous variant.
Genome position (GRCh38, 1-based): chr2:166,311,628, A>G on the plus strand (T>C on the coding strand, the complement: SCN9A is on the minus strand). VCF-style: chr2-166311628-A-G. GRCh37 (hg19) VCF-style: chr2-167168138-A-G.
Other names: c.129T>C, p.Asp43= (NM_002977.4).
Identifiers: ClinVar variation 332001 (VCV000332001.50), dbSNP rs200826539, ClinGen allele CA1944883.

ClinVar aggregate classification (germline): Conflicting classifications of pathogenicity. Review status: criteria provided, conflicting classifications (1 of 4 stars). 13 submissions from 11 submitters: Uncertain significance (1); Benign (3); Likely benign (5). 4 of the submissions do not count toward it. Last evaluated 2026-01-15.

Conditions:
SCN9A-related disorder. Also called: SCN9A-related condition; SCN9A-related disorders.
Neuropathy, hereditary sensory and autonomic, type 2A (HSAN2A). Also called: WNK1-Related HSAN2 (HSAN2A); ACROOSTEOLYSIS, GIACCAI TYPE; ACROOSTEOLYSIS, NEUROGENIC; NEUROPATHY, CONGENITAL SENSORY; NEUROPATHY, HEREDITARY SENSORY RADICULAR, AUTOSOMAL RECESSIVE; NEUROPATHY, HEREDITARY SENSORY, TYPE IIA. Identifiers: Orphanet 970, MedGen C2752089, MONDO:0024309, OMIM 201300.
Generalized epilepsy with febrile seizures plus, type 7 (GEFSP7). Also called: GEFS+, TYPE 7. Identifiers: Orphanet 36387, MedGen C2751778, MONDO:0013470, OMIM 613863.
Paroxysmal extreme pain disorder (PEXPD). Also called: SCN9A Paroxysmal Extreme Pain Disorder (SCN9A-PEPD); PAIN, SUBMANDIBULAR, OCULAR, AND RECTAL, WITH FLUSHING; RECTAL PAIN, FAMILIAL. Identifiers: Orphanet 46348, MedGen C1833661, MONDO:0008179, OMIM 167400.
Inborn genetic diseases. Identifiers: MedGen C0950123, MeSH D030342.
Channelopathy-associated congenital insensitivity to pain, autosomal recessive. Also called: ASYMBOLIA FOR PAIN; CONGENITAL ANALGESIA, AUTOSOMAL RECESSIVE; Insensitivity to pain, channelopathy-associated. Identifiers: Orphanet 88642, Orphanet 970, MedGen C1855739, MONDO:0009459, OMIM 243000.
Primary erythromelalgia. Also called: SCN9A Erythromelalgia (SCN9A-EM); primary erythermalgia. Identifiers: Orphanet 306577, Orphanet 90026, MedGen C0014805, MONDO:0007571, OMIM 133020.

Allele frequency attached by ClinVar (database versions not stated): gnomAD 0.00019 and 0.00020; gnomAD exomes 0.00039; ExAC 0.00047; ESP Exome Variant Server 0.00048.
gnomAD v4.1: 595 of 1,613,138 alleles (0.037%); highest among the groups gnomAD compares: South Asian, 0.11%; 3 homozygotes.

Submissions (13):

Labcorp Genetics (formerly Invitae), Labcorp
Classification: Benign for Neuropathy, hereditary sensory and autonomic, type 2A; Generalized epilepsy with febrile seizures plus, type 7. Last evaluated: 2026-01-15. Review status: criteria provided, single submitter. Criteria: Invitae Variant Classification Sherloc (09022015). Collection method: clinical testing. Allele origin: germline.

Blueprint Genetics
Classification: Likely benign. Last evaluated: 2024-11-08. Review status: criteria provided, single submitter. Criteria: ACMG Guidelines, 2015. Collection method: clinical testing. Allele origin: germline.

ARUP Laboratories, Molecular Genetics and Genomics, ARUP Laboratories
Classification: Likely benign. Last evaluated: 2024-06-05. Review status: criteria provided, single submitter. Criteria: ARUP Molecular Germline Variant Investigation Process 2024. Collection method: clinical testing. Allele origin: germline.

CeGaT Center for Human Genetics Tuebingen
Classification: Likely benign. Last evaluated: 2024-05-01. Review status: criteria provided, single submitter. Criteria: CeGaT Center For Human Genetics Tuebingen Variant Classification Criteria Version 2. Collection method: clinical testing. Allele origin: germline. Affected: yes. Observed: 3 variant alleles.
Comment: SCN9A: BP4, BP7

Ambry Genetics
Classification: Likely benign for Inborn genetic diseases. Last evaluated: 2023-12-11. Review status: criteria provided, single submitter. Criteria: Ambry Variant Classification Scheme 2023. Collection method: clinical testing. Allele origin: germline.

GeneDx
Classification: Likely benign. Last evaluated: 2020-10-16. Review status: criteria provided, single submitter. Criteria: GeneDx Variant Classification Process June 2021. Collection method: clinical testing. Allele origin: germline. Affected: yes.

Illumina Laboratory Services, Illumina
Classification: Benign for Primary erythromelalgia. Last evaluated: 2018-01-12. Review status: criteria provided, single submitter. Criteria: ICSL Variant Classification Criteria 13 December 2019. Collection method: clinical testing. Allele origin: germline.
Comment: This variant was observed in the ICSL laboratory as part of a predisposition screen in an ostensibly healthy population. It had not been previously curated by ICSL or reported in the Human Gene Mutation Database (HGMD: prior to June 1st, 2018), and was therefore a candidate for classification through an automated scoring system. Utilizing variant allele frequency, disease prevalence and penetrance estimates, and inheritance mode, an automated score was calculated to assess if this variant is too frequent to cause the disease. Based on the score and internal cut-off values, a variant classified as benign is not then subjected to further curation. The score for this variant resulted in a classification of benign for this disease.

Illumina Laboratory Services, Illumina
Classification: Uncertain significance for Channelopathy-associated congenital insensitivity to pain, autosomal recessive. Last evaluated: 2018-01-12. Review status: criteria provided, single submitter. Criteria: ICSL Variant Classification Criteria 13 December 2019. Collection method: clinical testing. Allele origin: germline.

Illumina Laboratory Services, Illumina
Classification: Benign for Paroxysmal extreme pain disorder. Last evaluated: 2018-01-12. Review status: criteria provided, single submitter. Criteria: ICSL Variant Classification Criteria 13 December 2019. Collection method: clinical testing. Allele origin: germline.
Comment: the same text as in the submission from Illumina Laboratory Services, Illumina above.

PreventionGenetics, part of Exact Sciences
Classification: Likely benign for SCN9A-related condition. Last evaluated: 2019-02-22. Review status: no assertion criteria provided. Collection method: clinical testing. Allele origin: germline. Not counted in ClinVar's aggregate classification.
Comment: This variant is classified as likely benign based on ACMG/AMP sequence variant interpretation guidelines (Richards et al. 2015 PMID: 25741868, with internal and published modifications).

Clinical Genetics, Academic Medical Center
Classification: Likely benign. Review status: no assertion criteria provided. Collection method: clinical testing. Allele origin: germline. Affected: yes. Study: VKGL Data-share Consensus. Not counted in ClinVar's aggregate classification.

Genome Diagnostics Laboratory, University Medical Center Utrecht
Classification: Likely benign. Review status: no assertion criteria provided. Collection method: clinical testing. Allele origin: germline. Affected: yes. Study: VKGL Data-share Consensus. Not counted in ClinVar's aggregate classification.

Joint Genome Diagnostic Labs from Nijmegen and Maastricht, Radboudumc and MUMC+
Classification: Likely benign. Review status: no assertion criteria provided. Collection method: clinical testing. Allele origin: germline. Affected: yes. Study: VKGL Data-share Consensus. Not counted in ClinVar's aggregate classification.